The following is an entry in ClinVar:

ClinVar aggregate classification (germline): Uncertain significance. Review status: criteria provided, multiple submitters, no conflicts (2 of 4 stars). 2 submissions from 2 submitters: Uncertain significance (2). Last evaluated 2025-06-11.

Conditions:
Inborn genetic diseases. Identifiers: MedGen C0950123, MeSH D030342.
Glycogen storage disease type III (GSD3). Also called: FORBES DISEASE; Cori disease. Identifiers: Orphanet 366, MedGen C0017922, MONDO:0009291, OMIM 232400.

gnomAD v4.1: 2 of 1,614,150 alleles (0.00012%); no homozygotes.

Submissions (2):

Ambry Genetics
Classification: Uncertain significance for Inborn genetic diseases. Last evaluated: 2025-06-11. Review status: criteria provided, single submitter. Criteria: Ambry Variant Classification Scheme 2023. Collection method: clinical testing. Allele origin: germline.

Labcorp Genetics (formerly Invitae), Labcorp
Classification: Uncertain significance for Glycogen storage disease type III. Last evaluated: 2022-05-26. Review status: criteria provided, single submitter. Criteria: Invitae Variant Classification Sherloc (09022015). Collection method: clinical testing. Allele origin: germline.
Comment: This sequence change replaces lysine, which is basic and polar, with arginine, which is basic and polar, at codon 17 of the AGL protein (p.Lys17Arg). This variant is not present in population databases (gnomAD no frequency). This variant has not been reported in the literature in individuals affected with AGL-related conditions. Algorithms developed to predict the effect of missense changes on protein structure and function output the following: SIFT: "Tolerated"; PolyPhen-2: "Benign"; Align-GVGD: "Class C0". The arginine amino acid residue is found in multiple mammalian species, which suggests that this missense change does not adversely affect protein function. In summary, the available evidence is currently insufficient to determine the role of this variant in disease. Therefore, it has been classified as a Variant of Uncertain Significance.

NM_000642.3(AGL):c.50A>G (p.Lys17Arg)

Gene: AGL (amylo-alpha-1,6-glucosidase and 4-alpha-glucanotransferase; plus strand). Cytogenetic location: 1p21.2.
Variant type: single nucleotide variant.
Coding change: c.50A>G on transcript NM_000642.3 (MANE Select); coding-DNA position 50, A replaced by G.
Protein change: p.Lys17Arg; replaces lysine 17 with arginine.
Molecular consequence: missense variant.
Genome position (GRCh38, 1-based): chr1:99,851,092, A>G. VCF-style: chr1-99851092-A-G. GRCh37 (hg19) VCF-style: chr1-100316648-A-G.
Other names: c.50A>G (NM_000642.2); c.50A>G, p.Lys17Arg (NM_000644.3, NM_001425325.1, NM_001425326.1 and 6 more transcripts); c.-142A>G (NM_000646.3); short protein forms K17R.
Identifiers: ClinVar variation 2121513 (VCV002121513.2), dbSNP rs2524406920, ClinGen allele CA341323705.